The following is an entry in ClinVar:

ClinVar aggregate classification (germline): Benign. Review status: criteria provided, multiple submitters, no conflicts (2 of 4 stars). 5 submissions from 5 submitters: Benign (5). Last evaluated 2026-02-03.

Conditions:
Nicolaides-Baraitser syndrome (NCBRS). Also called: SMARCA2-Related Nicolaides-Baraitser Syndrome; Intellectual disability-sparse hair-brachydactyly syndrome. Identifiers: Orphanet 3051, MedGen C1303073, MONDO:0011053, OMIM 601358.

Allele frequency attached by ClinVar (database versions not stated): ExAC 0.00568; gnomAD 0.01704 and 0.01836; ESP Exome Variant Server 0.01953; TOPMed 0.01972; 1000 Genomes Project 0.02037.
gnomAD v4.1: 5,177 of 1,576,374 alleles (0.33%); highest among the groups gnomAD compares: African/African-American, 6.1%; 145 homozygotes.

Submissions (5):

Labcorp Genetics (formerly Invitae), Labcorp
Classification: Benign. Last evaluated: 2026-02-03. Review status: criteria provided, single submitter. Criteria: Invitae Variant Classification Sherloc (09022015). Collection method: clinical testing. Allele origin: germline.

Mayo Clinic Laboratories, Mayo Clinic
Classification: Benign. Last evaluated: 2022-06-19. Review status: criteria provided, single submitter. Criteria: ACMG Guidelines, 2015. Collection method: clinical testing. Allele origin: germline. Observed: 4 variant alleles.

GeneDx
Classification: Benign. Last evaluated: 2018-10-17. Review status: criteria provided, single submitter. Criteria: GeneDx Variant Classification Process June 2021. Collection method: clinical testing. Allele origin: germline. Affected: yes.

Illumina Laboratory Services, Illumina
Classification: Benign for Nicolaides-Baraitser syndrome. Last evaluated: 2018-01-12. Review status: criteria provided, single submitter. Criteria: ICSL Variant Classification Criteria 13 December 2019. Collection method: clinical testing. Allele origin: germline.
Comment: This variant was observed in the ICSL laboratory as part of a predisposition screen in an ostensibly healthy population. It had not been previously curated by ICSL or reported in the Human Gene Mutation Database (HGMD: prior to June 1st, 2018), and was therefore a candidate for classification through an automated scoring system. Utilizing variant allele frequency, disease prevalence and penetrance estimates, and inheritance mode, an automated score was calculated to assess if this variant is too frequent to cause the disease. Based on the score and internal cut-off values, a variant classified as benign is not then subjected to further curation. The score for this variant resulted in a classification of benign for this disease.

Breakthrough Genomics
Classification: Benign. Review status: criteria provided, single submitter. Criteria: ACMG Guidelines, 2015. Collection method: not provided. Allele origin: germline. Inheritance: Autosomal dominant inheritance. Affected: yes.

NM_003070.5(SMARCA2):c.2992-8G>A

Gene: SMARCA2 (SWI/SNF related BAF chromatin remodeling complex subunit ATPase 2; plus strand). Cytogenetic location: 9p24.3.
Variant type: single nucleotide variant.
Coding change: c.2992-8G>A on transcript NM_003070.5 (MANE Select); 8 bases into the intron before coding-DNA position 2992, G replaced by A.
Molecular consequence: intron variant.
Genome position (GRCh38, 1-based): chr9:2,097,377, G>A. VCF-style: chr9-2097377-G-A. GRCh37 (hg19) VCF-style: chr9-2097377-G-A.
Other names: p.?; c.2992-8G>A (NM_139045.4, NM_001289396.2); c.2818-8G>A (NM_001289397.2).
Identifiers: ClinVar variation 366217 (VCV000366217.17), dbSNP rs77406154, ClinGen allele CA4963638.